The following is an entry in ClinVar:

NM_005918.4(MDH2):c.555G>A (p.Lys185=)

Gene: MDH2 (malate dehydrogenase 2; plus strand). Cytogenetic location: 7q11.23.
Variant type: single nucleotide variant.
Coding change: c.555G>A on transcript NM_005918.4 (MANE Select); coding-DNA position 555, G replaced by A.
Protein change: p.Lys185=; no amino-acid change (lysine 185 retained).
Molecular consequence: synonymous variant. On other transcripts: intron variant (1).
Genome position (GRCh38, 1-based): chr7:76,060,498, G>A. VCF-style: chr7-76060498-G-A. GRCh37 (hg19) VCF-style: chr7-75689816-G-A.
Other names: c.234G>A, p.Lys78= (NM_001282404.2); c.429+2420G>A (NM_001282403.2).
Identifiers: ClinVar variation 711986 (VCV000711986.17), dbSNP rs142812282, ClinGen allele CA4305573.

ClinVar aggregate classification (germline): Benign. Review status: criteria provided, multiple submitters, no conflicts (2 of 4 stars). 4 submissions from 4 submitters: Benign (4). Last evaluated 2026-02-03.

Allele frequency attached by ClinVar (database versions not stated): gnomAD exomes 0.00078 and 0.00182; ExAC 0.00204; gnomAD 0.00650 and 0.00700; ESP Exome Variant Server 0.00692; 1000 Genomes Project 0.00719; 1000 Genomes Project 30x 0.00765; TOPMed 0.00773.
gnomAD v4.1: 2,214 of 1,614,086 alleles (0.14%); highest among the groups gnomAD compares: African/African-American, 2.2%; 27 homozygotes.

Submissions (23):

Labcorp Genetics (formerly Invitae), Labcorp
Classification: Benign. Last evaluated: 2026-02-03. Review status: criteria provided, single submitter. Criteria: Invitae Variant Classification Sherloc (09022015). Collection method: clinical testing. Allele origin: germline.

Dasa
Classification: Benign. Last evaluated: 2025-12-08. Review status: criteria provided, single submitter. Criteria: DASA Assertion Criteria. Collection method: clinical testing. Allele origin: germline.
Comment: NM_005918.4(MDH2):c.555G>A (p.Lys185=) is a synonymous variant predicted not to alter the encoded amino acid sequence. Population frequency is inconsistent with a disease-causing role for this variant, and observations in unaffected individuals support a benign interpretation. Therefore, based on the currently available evidence, this variant is classified as benign.

Center for Genomic Medicine, Rigshospitalet, Copenhagen University Hospital
Classification: Benign. Last evaluated: 2025-03-04. Review status: criteria provided, single submitter. Criteria: ACMG Guidelines, 2015. Collection method: clinical testing. Allele origin: germline.

Breakthrough Genomics
Classification: Benign. Review status: criteria provided, single submitter. Criteria: ACMG Guidelines, 2015. Collection method: not provided. Allele origin: germline. Inheritance: Autosomal recessive inheritance. Affected: yes.

Dr. Peter K. Rogan Lab, Western University
No classification provided (evidence only). Condition: Clear cell carcinoma of kidney. Review status: no classification provided. Collection method: in vitro. Allele origin: not applicable. Functional consequence: skipped exon. Not counted in ClinVar's aggregate classification.

Dr. Peter K. Rogan Lab, Western University
No classification provided (evidence only). Condition: Clear cell carcinoma of kidney. Review status: no classification provided. Collection method: in vitro. Allele origin: not applicable. Functional consequence: skipped exon. Not counted in ClinVar's aggregate classification.

Dr. Peter K. Rogan Lab, Western University
No classification provided (evidence only). Condition: Clear cell carcinoma of kidney. Review status: no classification provided. Collection method: in vitro. Allele origin: not applicable. Functional consequence: skipped exon. Not counted in ClinVar's aggregate classification.

Dr. Peter K. Rogan Lab, Western University
No classification provided (evidence only). Condition: Lung cancer. Review status: no classification provided. Collection method: in vitro. Allele origin: not applicable. Functional consequence: skipped exon. Not counted in ClinVar's aggregate classification.

Dr. Peter K. Rogan Lab, Western University
No classification provided (evidence only). Condition: Colon adenocarcinoma. Review status: no classification provided. Collection method: in vitro. Allele origin: not applicable. Functional consequence: skipped exon. Not counted in ClinVar's aggregate classification.

Dr. Peter K. Rogan Lab, Western University
No classification provided (evidence only). Condition: Colon adenocarcinoma. Review status: no classification provided. Collection method: in vitro. Allele origin: not applicable. Functional consequence: skipped exon. Not counted in ClinVar's aggregate classification.

Dr. Peter K. Rogan Lab, Western University
No classification provided (evidence only). Condition: Thyroid cancer, nonmedullary, 1. Review status: no classification provided. Collection method: in vitro. Allele origin: not applicable. Functional consequence: skipped exon. Not counted in ClinVar's aggregate classification.

Dr. Peter K. Rogan Lab, Western University
No classification provided (evidence only). Condition: Uterine corpus endometrial carcinoma. Review status: no classification provided. Collection method: in vitro. Allele origin: not applicable. Functional consequence: skipped exon, retained intron. Not counted in ClinVar's aggregate classification.

Dr. Peter K. Rogan Lab, Western University
No classification provided (evidence only). Condition: Uterine corpus endometrial carcinoma. Review status: no classification provided. Collection method: in vitro. Allele origin: not applicable. Functional consequence: skipped exon. Not counted in ClinVar's aggregate classification.

Dr. Peter K. Rogan Lab, Western University
No classification provided (evidence only). Condition: Cervical cancer. Review status: no classification provided. Collection method: in vitro. Allele origin: not applicable. Functional consequence: skipped exon. Not counted in ClinVar's aggregate classification.

Dr. Peter K. Rogan Lab, Western University
No classification provided (evidence only). Condition: Cervical cancer. Review status: no classification provided. Collection method: in vitro. Allele origin: not applicable. Functional consequence: skipped exon. Not counted in ClinVar's aggregate classification.

Dr. Peter K. Rogan Lab, Western University
No classification provided (evidence only). Condition: Cervical cancer. Review status: no classification provided. Collection method: in vitro. Allele origin: not applicable. Functional consequence: skipped exon. Not counted in ClinVar's aggregate classification.

Dr. Peter K. Rogan Lab, Western University
No classification provided (evidence only). Condition: Cervical cancer. Review status: no classification provided. Collection method: in vitro. Allele origin: not applicable. Functional consequence: skipped exon. Not counted in ClinVar's aggregate classification.

Dr. Peter K. Rogan Lab, Western University
No classification provided (evidence only). Condition: Cervical cancer. Review status: no classification provided. Collection method: in vitro. Allele origin: not applicable. Functional consequence: skipped exon. Not counted in ClinVar's aggregate classification.

Dr. Peter K. Rogan Lab, Western University
No classification provided (evidence only). Condition: Sarcoma. Review status: no classification provided. Collection method: in vitro. Allele origin: not applicable. Functional consequence: skipped exon. Not counted in ClinVar's aggregate classification.

Dr. Peter K. Rogan Lab, Western University
No classification provided (evidence only). Condition: Sarcoma. Review status: no classification provided. Collection method: in vitro. Allele origin: not applicable. Functional consequence: skipped exon. Not counted in ClinVar's aggregate classification.

Dr. Peter K. Rogan Lab, Western University
No classification provided (evidence only). Condition: Malignant lymphoma, large B-cell, diffuse. Review status: no classification provided. Collection method: in vitro. Allele origin: not applicable. Functional consequence: skipped exon. Not counted in ClinVar's aggregate classification.

Dr. Peter K. Rogan Lab, Western University
No classification provided (evidence only). Condition: Nonpapillary renal cell carcinoma. Review status: no classification provided. Collection method: in vitro. Allele origin: not applicable. Functional consequence: skipped exon. Not counted in ClinVar's aggregate classification.

Dr. Peter K. Rogan Lab, Western University
No classification provided (evidence only). Condition: Malignant tumor of esophagus. Review status: no classification provided. Collection method: in vitro. Allele origin: not applicable. Functional consequence: skipped exon. Not counted in ClinVar's aggregate classification.